The following is an entry in ClinVar:

ClinVar aggregate classification (germline): Uncertain significance (1 of 4 stars; one submission).

gnomAD v4.1: 1 of 1,608,230 alleles (0.000062%); highest among the groups gnomAD compares: South Asian, 0.0011%; no homozygotes.

Submission:

GeneDx
Classification: Uncertain significance. Last evaluated: 2025-03-04. Review status: criteria provided, single submitter. Criteria: GeneDx Variant Classification Process June 2021. Collection method: clinical testing. Allele origin: germline. Affected: yes.
Comment: Not observed at a significant frequency in large population cohorts (gnomAD); In silico analysis supports that this missense variant does not alter protein structure/function; Has not been previously published as pathogenic or benign to our knowledge

NM_002180.3(IGHMBP2):c.539G>A (p.Ser180Asn)

Gene: IGHMBP2 (immunoglobulin mu DNA binding protein 2; plus strand). Cytogenetic location: 11q13.3.
Variant type: single nucleotide variant.
Coding change: c.539G>A on transcript NM_002180.3 (MANE Select); coding-DNA position 539, G replaced by A.
Protein change: p.Ser180Asn; replaces serine 180 with asparagine.
Molecular consequence: missense variant.
Genome position (GRCh38, 1-based): chr11:68,908,623, G>A. VCF-style: chr11-68908623-G-A. GRCh37 (hg19) VCF-style: chr11-68676091-G-A.
Other names: short protein forms S180N.
Identifiers: ClinVar variation 4083418 (VCV004083418.1).